The following is an entry in ClinVar:

ClinVar aggregate classification (germline): Uncertain significance (1 of 4 stars; one submission).

Conditions:
Epilepsy, X-linked 1, with variable learning disabilities and behavior disorders. Also called: X-linked epilepsy-learning disabilities-behavior disorders syndrome. Identifiers: Orphanet 85294, MedGen C5774177, MONDO:0010339, OMIM 300491.

Allele frequency attached by ClinVar (database versions not stated): gnomAD exomes below 0.00001 and 0.00001.
gnomAD v4.1: 2 of 1,194,323 alleles (0.00017%); highest among the groups gnomAD compares: Non-Finnish European, 0.00011%; no homozygotes.

Submission:

Labcorp Genetics (formerly Invitae), Labcorp
Classification: Uncertain significance for Epilepsy, X-linked 1, with variable learning disabilities and behavior disorders. Last evaluated: 2020-03-02. Review status: criteria provided, single submitter. Criteria: Invitae Variant Classification Sherloc (09022015). Collection method: clinical testing. Allele origin: germline.
Comment: Algorithms developed to predict the effect of missense changes on protein structure and function are either unavailable or do not agree on the potential impact of this missense change (SIFT: "Deleterious"; PolyPhen-2: "Possibly Damaging"; Align-GVGD: "Class C15"). This variant has not been reported in the literature in individuals with SYN1-related conditions. This variant is not present in population databases (ExAC no frequency). This sequence change replaces serine with phenylalanine at codon 113 of the SYN1 protein (p.Ser113Phe). The serine residue is weakly conserved and there is a large physicochemical difference between serine and phenylalanine. In summary, the available evidence is currently insufficient to determine the role of this variant in disease. Therefore, it has been classified as a Variant of Uncertain Significance.

NM_006950.3(SYN1):c.338C>T (p.Ser113Phe)

Gene: SYN1 (synapsin I; minus strand). Cytogenetic location: Xp11.23.
Variant type: single nucleotide variant.
Coding change: c.338C>T on transcript NM_006950.3 (MANE Select); coding-DNA position 338, C replaced by T.
Protein change: p.Ser113Phe; replaces serine 113 with phenylalanine.
Molecular consequence: missense variant.
Genome position (GRCh38, 1-based): chrX:47,619,391, G>A on the plus strand (C>T on the coding strand, the complement: SYN1 is on the minus strand). VCF-style: chrX-47619391-G-A. GRCh37 (hg19) VCF-style: chrX-47478790-G-A.
Other names: c.338C>T, p.Ser113Phe (NM_133499.2); short protein forms S113F.
Identifiers: ClinVar variation 999290 (VCV000999290.13), dbSNP rs1488258803, ClinGen allele CA412831616.
Genomic context (GRCh38, chrX:47,619,391, plus strand): 5'-ACGTCCGCGGCAGTGGCTTACCAGTCGGTGTGCGGCTCGTCGATGACCAGCAGCACCCTG[G>A]AGGCGGCTCCCCCGCGGCCTGCGCCCCCAGAGCCGCCGCCCACCTGCTCGCTGAAGGTGG-3'
Protein context (NP_008881.2, residues 103-123): SGGAGRGGAA[Ser113Phe]RVLLVIDEPH